The following is an entry in ClinVar:

NM_004035.7(ACOX1):c.1337A>G (p.Lys446Arg)

Gene: ACOX1 (acyl-CoA oxidase 1; minus strand). Cytogenetic location: 17q25.1.
Variant type: single nucleotide variant.
Coding change: c.1337A>G on transcript NM_004035.7 (MANE Select); coding-DNA position 1337, A replaced by G.
Protein change: p.Lys446Arg; replaces lysine 446 with arginine.
Molecular consequence: missense variant.
Genome position (GRCh38, 1-based): chr17:75,949,859, T>C on the plus strand (A>G on the coding strand, the complement: ACOX1 is on the minus strand). VCF-style: chr17-75949859-T-C. GRCh37 (hg19) VCF-style: chr17-73945940-T-C.
Other names: c.1223A>G, p.Lys408Arg (NM_001185039.2); c.1337A>G, p.Lys446Arg (NM_007292.6); short protein forms K408R, K446R.
Identifiers: ClinVar variation 2141213 (VCV002141213.23), dbSNP rs755673462, ClinGen allele CA8776794.
Genomic context (GRCh38, chr17:75,949,859, plus strand): 5'-TGTGGCTGGATGCGCTGACTGGGCAGGTCGTTCAAATAGGACACCATGCCACACACCAAC[T>C]TTCCTGAGTGCACCTGATCATAACTTTTCATCAGGAACCTAAAAGTCACCAGTAAACATG-3'
Protein context (NP_004026.2, residues 436-456): MKSYDQVHSG[Lys446Arg]LVCGMVSYLN

ClinVar aggregate classification (germline): Conflicting classifications of pathogenicity. Review status: criteria provided, conflicting classifications (1 of 4 stars). 2 submissions from 2 submitters: Uncertain significance (1); Likely benign (1). Last evaluated 2024-02-01.

Conditions:
Acyl-CoA oxidase deficiency. Also called: STRAIGHT-CHAIN ACYL-CoA OXIDASE DEFICIENCY; Pseudoneonatal adrenoleukodystrophy; Peroxisomal acyl-CoA oxidase deficiency. Identifiers: Orphanet 2971, MedGen C1849678, MONDO:0009919, OMIM 264470. Disease mechanism: loss of function.

Allele frequency attached by ClinVar (database versions not stated): gnomAD 0.00002; gnomAD exomes 0.00002; ExAC 0.00006.

Submissions (2):

CeGaT Center for Human Genetics Tuebingen
Classification: Likely benign. Last evaluated: 2024-02-01. Review status: criteria provided, single submitter. Criteria: CeGaT Center For Human Genetics Tuebingen Variant Classification Criteria Version 2. Collection method: clinical testing. Allele origin: germline. Affected: yes. Observed: 1 variant allele.
Comment: ACOX1: BP4

Labcorp Genetics (formerly Invitae), Labcorp
Classification: Uncertain significance for Acyl-CoA oxidase deficiency. Last evaluated: 2022-02-14. Review status: criteria provided, single submitter. Criteria: Invitae Variant Classification Sherloc (09022015). Collection method: clinical testing. Allele origin: germline.
Comment: This sequence change replaces lysine, which is basic and polar, with arginine, which is basic and polar, at codon 446 of the ACOX1 protein (p.Lys446Arg). This variant is present in population databases (rs755673462, gnomAD 0.04%). This variant has not been reported in the literature in individuals affected with ACOX1-related conditions. Algorithms developed to predict the effect of missense changes on protein structure and function (SIFT, PolyPhen-2, Align-GVGD) all suggest that this variant is likely to be tolerated. Algorithms developed to predict the effect of sequence changes on RNA splicing suggest that this variant may create or strengthen a splice site. In summary, the available evidence is currently insufficient to determine the role of this variant in disease. Therefore, it has been classified as a Variant of Uncertain Significance.